The following is an entry in ClinVar:

NM_004990.4(MARS1):c.2532G>A (p.Ala844=)

Gene: MARS1 (methionyl-tRNA synthetase 1; plus strand). Cytogenetic location: 12q13.3.
Variant type: single nucleotide variant.
Coding change: c.2532G>A on transcript NM_004990.4 (MANE Select); coding-DNA position 2532, G replaced by A.
Protein change: p.Ala844=; no amino-acid change (alanine 844 retained).
Molecular consequence: synonymous variant.
Genome position (GRCh38, 1-based): chr12:57,516,313, G>A. VCF-style: chr12-57516313-G-A. GRCh37 (hg19) VCF-style: chr12-57910096-G-A.
Other names: p.Ala844=.
Identifiers: ClinVar variation 380846 (VCV000380846.62), dbSNP rs73344102, ClinGen allele CA6650878.

ClinVar aggregate classification (germline): Benign. Review status: criteria provided, multiple submitters, no conflicts (2 of 4 stars). 6 submissions from 6 submitters: Benign (6). Last evaluated 2026-01-27.

Conditions:
Severe early-onset pulmonary alveolar proteinosis due to MARS deficiency. Also called: PULMONARY ALVEOLAR PROTEINOSIS, REUNION ISLAND; Interstitial lung and liver disease. Identifiers: Orphanet 440427, MedGen C4225400, MONDO:0014206, OMIM 615486.
Charcot-Marie-Tooth disease axonal type 2U. Also called: CHARCOT-MARIE-TOOTH NEUROPATHY, TYPE 2U; CHARCOT-MARIE-TOOTH DISEASE, AXONAL, AUTOSOMAL DOMINANT, TYPE 2U. Identifiers: Orphanet 397735, MedGen C4084821, MONDO:0014566, OMIM 616280.
Charcot-Marie-Tooth disease. Also called: Charcot-Marie-Tooth Neuropathy; Charcot-Marie-Tooth Hereditary Neuropathy. Identifiers: Orphanet 166, MedGen C0007959, MONDO:0015626.

Allele frequency attached by ClinVar (database versions not stated): gnomAD exomes 0.00114 and 0.00262; ExAC 0.00325; ESP Exome Variant Server 0.01015; 1000 Genomes Project 0.01018; gnomAD 0.01031 and 0.01123; 1000 Genomes Project 30x 0.01109; TOPMed 0.01125.
gnomAD v4.1: 3,272 of 1,614,130 alleles (0.2%); highest among the groups gnomAD compares: African/African-American, 3.6%; 52 homozygotes.

Submissions (6):

Labcorp Genetics (formerly Invitae), Labcorp
Classification: Benign for Charcot-Marie-Tooth disease axonal type 2U; Severe early-onset pulmonary alveolar proteinosis due to MARS deficiency. Last evaluated: 2026-01-27. Review status: criteria provided, single submitter. Criteria: Invitae Variant Classification Sherloc (09022015). Collection method: clinical testing. Allele origin: germline.

ARUP Laboratories, Molecular Genetics and Genomics, ARUP Laboratories
Classification: Benign. Last evaluated: 2024-10-15. Review status: criteria provided, single submitter. Criteria: ARUP Molecular Germline Variant Investigation Process 2024. Collection method: clinical testing. Allele origin: germline.

Mayo Clinic Laboratories, Mayo Clinic
Classification: Benign. Last evaluated: 2019-12-09. Review status: criteria provided, single submitter. Criteria: ACMG Guidelines, 2015. Collection method: clinical testing. Allele origin: germline. Observed: 8 variant alleles.

GeneDx
Classification: Benign. Last evaluated: 2016-03-03. Review status: criteria provided, single submitter. Criteria: GeneDx Variant Classification (06012015). Collection method: clinical testing. Allele origin: germline. Affected: yes.
Comment: This variant is considered likely benign or benign based on one or more of the following criteria: it is a conservative change, it occurs at a poorly conserved position in the protein, it is predicted to be benign by multiple in silico algorithms, and/or has population frequency not consistent with disease.

Breakthrough Genomics
Classification: Benign. Review status: criteria provided, single submitter. Criteria: ACMG Guidelines, 2015. Collection method: not provided. Allele origin: germline. Inheritance: Autosomal recessive inheritance. Affected: yes.

Molecular Genetics Laboratory, London Health Sciences Centre
Classification: Benign for Charcot-Marie-Tooth disease. Review status: criteria provided, single submitter. Criteria: ACMG Guidelines, 2015. Collection method: clinical testing. Allele origin: germline. Affected: yes.